The following is an entry in ClinVar:

NM_017617.5(NOTCH1):c.503C>A (p.Pro168His)

Gene: NOTCH1 (notch receptor 1; minus strand). Cytogenetic location: 9q34.3.
Variant type: single nucleotide variant.
Coding change: c.503C>A on transcript NM_017617.5 (MANE Select); coding-DNA position 503, C replaced by A.
Protein change: p.Pro168His; replaces proline 168 with histidine.
Molecular consequence: missense variant.
Genome position (GRCh38, 1-based): chr9:136,523,089, G>T on the plus strand (C>A on the coding strand, the complement: NOTCH1 is on the minus strand). VCF-style: chr9-136523089-G-T. GRCh37 (hg19) VCF-style: chr9-139417541-G-T.
Other names: short protein forms P168H.
Identifiers: ClinVar variation 2659752 (VCV002659752.24), dbSNP rs1330042951, ClinGen allele CA375570825.
Genomic context (GRCh38, chr9:136,523,089, plus strand): 5'-AGCCCGGGCTTCTGGCCACACTCGTTGACATCCTGCCGGCAGGTGGGGCCATGGAAGCTG[G>T]GTGGGCAGTGGCAGATGTAGGAGGCCTCGAAGGGCAGGCACTGGCCACCGTTGGCGCAGG-3'
Protein context (NP_060087.3, residues 158-178): FEASYICHCP[Pro168His]SFHGPTCRQD

ClinVar aggregate classification (germline): Uncertain significance (1 of 4 stars; one submission).

Submission:

CeGaT Center for Human Genetics Tuebingen
Classification: Uncertain significance. Last evaluated: 2023-08-01. Review status: criteria provided, single submitter. Criteria: CeGaT Center For Human Genetics Tuebingen Variant Classification Criteria Version 2. Collection method: clinical testing. Allele origin: germline. Affected: yes. Observed: 1 variant allele.
Comment: NOTCH1: PM2